The following is an entry in ClinVar:

NM_002067.5(GNA11):c.748_749delinsCT (p.Glu250Leu)

Gene: GNA11 (G protein subunit alpha 11; plus strand). Cytogenetic location: 19p13.3.
Variant type: Indel.
Coding change: c.748_749delinsCT on transcript NM_002067.5 (MANE Select); coding-DNA positions 748 to 749, GA replaced by CT.
Protein change: p.Glu250Leu; replaces glutamic acid 250 with leucine.
Molecular consequence: missense variant.
Genome position (GRCh38, 1-based): chr19:3,119,218-3,119,219, GA replaced by CT. VCF-style: chr19-3119218-GA-CT. GRCh37 (hg19) VCF-style: chr19-3119216-GA-CT.
Other names: short protein forms E250L.
Identifiers: ClinVar variation 2855689 (VCV002855689.3), dbSNP rs2512096512, ClinGen allele CA2739276362.

ClinVar aggregate classification (germline): Uncertain significance (1 of 4 stars; one submission).

Submission:

Labcorp Genetics (formerly Invitae), Labcorp
Classification: Uncertain significance. Last evaluated: 2023-04-12. Review status: criteria provided, single submitter. Criteria: Invitae Variant Classification Sherloc (09022015). Collection method: clinical testing. Allele origin: germline.
Comment: In summary, the available evidence is currently insufficient to determine the role of this variant in disease. Therefore, it has been classified as a Variant of Uncertain Significance. An algorithm developed to predict the effect of missense changes on protein structure and function (PolyPhen-2) suggests that this variant is likely to be disruptive. This variant has not been reported in the literature in individuals affected with GNA11-related conditions. Information on the frequency of this variant in the gnomAD database is not available, as this variant may be reported differently in the database. This sequence change replaces glutamic acid, which is acidic and polar, with leucine, which is neutral and non-polar, at codon 250 of the GNA11 protein (p.Glu250Leu).